The following is an entry in ClinVar:

NM_016343.4(CENPF):c.6411C>T (p.His2137=)

Gene: CENPF (centromere protein F; plus strand). Cytogenetic location: 1q41.
Variant type: single nucleotide variant.
Coding change: c.6411C>T on transcript NM_016343.4 (MANE Select); coding-DNA position 6411, C replaced by T.
Protein change: p.His2137=; no amino-acid change (histidine 2137 retained).
Molecular consequence: synonymous variant.
Genome position (GRCh38, 1-based): chr1:214,645,981, C>T. VCF-style: chr1-214645981-C-T. GRCh37 (hg19) VCF-style: chr1-214819324-C-T.
Identifiers: ClinVar variation 3350286 (VCV003350286.2).
Genomic context (GRCh38, chr1:214,645,981, plus strand): 5'-GAGAAGAGGCATCGAGAAACTGAGAGTTCGCATTGAGGCCGATGAAAAGAAGCAGCTGCA[C>T]ATCGCAGAGAAACTGAAAGAACGCGAGCGGGAGAATGATTCACTTAAGGATAAAGTTGAG-3'
Protein context (NP_057427.3, residues 2127-2147): RIEADEKKQL[His2137=]IAEKLKERER

ClinVar aggregate classification (germline): Likely benign. Review status: criteria provided, single submitter (1 of 4 stars). 2 submissions from 2 submitters: Likely benign (1). 1 of the submissions does not count toward it. Last evaluated 2026-08-01.

Conditions:
CENPF-related disorder. Also called: CENPF-related condition.

gnomAD v4.1: 58 of 1,614,056 alleles (0.0036%); highest among the groups gnomAD compares: South Asian, 0.061%; 2 homozygotes.

Submissions (2):

CeGaT Center for Human Genetics Tuebingen
Classification: Likely benign. Last evaluated: 2026-08-01. Review status: criteria provided, single submitter. Criteria: CeGaT Center For Human Genetics Tuebingen Variant Classification Criteria Version 2. Collection method: clinical testing. Allele origin: germline. Affected: yes. Observed: 1 variant allele.
Comment: CENPF: BP4, BP7

PreventionGenetics, part of Exact Sciences
Classification: Likely benign for CENPF-related condition. Last evaluated: 2024-06-10. Review status: no assertion criteria provided. Collection method: clinical testing. Allele origin: germline. Not counted in ClinVar's aggregate classification.
Comment: This variant is classified as likely benign based on ACMG/AMP sequence variant interpretation guidelines (Richards et al. 2015 PMID: 25741868, with internal and published modifications).